The following is an entry in ClinVar:

NM_014727.3(KMT2B):c.6300G>A (p.Gly2100=)

Gene: KMT2B (lysine methyltransferase 2B; plus strand). Cytogenetic location: 19q13.12.
Variant type: single nucleotide variant.
Coding change: c.6300G>A on transcript NM_014727.3 (MANE Select); coding-DNA position 6300, G replaced by A.
Protein change: p.Gly2100=; no amino-acid change (glycine 2100 retained).
Molecular consequence: synonymous variant.
Genome position (GRCh38, 1-based): chr19:35,732,849, G>A. VCF-style: chr19-35732849-G-A. GRCh37 (hg19) VCF-style: chr19-36223750-G-A.
Identifiers: ClinVar variation 4535356 (VCV004535356.6).
Genomic context (GRCh38, chr19:35,732,849, plus strand): 5'-CCAGGGCACGCCTCCTTCGGGGCCAGGAGTAGTCCGGGCAGGGGTCCTTGGGGCTGCAGG[G>A]GACAGGGCCCGGCCTCCTGAGGACCTGCCATCGGAAATTGTGGATTTTGTGTTGAAGAAC-3'
Protein context (NP_055542.1, residues 2090-2110): VVRAGVLGAA[Gly2100=]DRARPPEDLP

ClinVar aggregate classification (germline): Likely benign (1 of 4 stars; one submission).

gnomAD v4.1: 1 of 1,609,248 alleles (0.000062%); highest among the groups gnomAD compares: East Asian, 0.0022%; no homozygotes.

Submission:

CeGaT Center for Human Genetics Tuebingen
Classification: Likely benign. Last evaluated: 2025-11-01. Review status: criteria provided, single submitter. Criteria: CeGaT Center For Human Genetics Tuebingen Variant Classification Criteria Version 2. Collection method: clinical testing. Allele origin: germline. Affected: yes. Observed: 1 variant allele.
Comment: KMT2B: BP4, BP7